The following is an entry in ClinVar:

ClinVar aggregate classification (germline): Uncertain significance (1 of 4 stars; one submission).

gnomAD v4.1: 4 of 1,614,232 alleles (0.00025%); highest among the groups gnomAD compares: Non-Finnish European, 0.00025%; no homozygotes.

Submission:

CeGaT Center for Human Genetics Tuebingen
Classification: Uncertain significance. Last evaluated: 2026-06-01. Review status: criteria provided, single submitter. Criteria: CeGaT Center For Human Genetics Tuebingen Variant Classification Criteria Version 2. Collection method: clinical testing. Allele origin: germline. Affected: yes. Observed: 1 variant allele.
Comment: CAMTA1: PM2, PM6:Supporting, PP3

NM_015215.4(CAMTA1):c.4574A>G (p.Tyr1525Cys)

Gene: CAMTA1 (calmodulin binding transcription activator 1; plus strand). Cytogenetic location: 1p36.23.
Variant type: single nucleotide variant.
Coding change: c.4574A>G on transcript NM_015215.4 (MANE Select); coding-DNA position 4574, A replaced by G.
Protein change: p.Tyr1525Cys; replaces tyrosine 1525 with cysteine.
Molecular consequence: missense variant.
Genome position (GRCh38, 1-based): chr1:7,746,048, A>G. VCF-style: chr1-7746048-A-G. GRCh37 (hg19) VCF-style: chr1-7806108-A-G.
Other names: c.4235A>G, p.Tyr1412Cys (NM_001349609.2, NM_001349610.2, NM_001410737.1); c.4145A>G, p.Tyr1382Cys (NM_001349612.2); c.1703A>G, p.Tyr568Cys (NM_001349613.1); c.1646A>G, p.Tyr549Cys (NM_001349614.1, NM_001349615.2, NM_001349616.2 and 2 more transcripts); c.1307A>G, p.Tyr436Cys (NM_001349619.2, NM_001349620.1, NM_001349621.1 and 5 more transcripts); c.4484A>G, p.Tyr1495Cys (NM_001349608.2); c.4163A>G, p.Tyr1388Cys (NM_001410738.1); short protein forms Y1382C, Y1388C, Y1412C, Y1495C, Y1525C, Y436C, Y549C, Y568C.
Identifiers: ClinVar variation 4874252 (VCV004874252.2).
Genomic context (GRCh38, chr1:7,746,048, plus strand): 5'-AGAAGGTAGAGAATGAGTTTGCTCAGCTCACTCTGTCTGATCATGAACAGAGAGAACTCT[A>G]TGAGGCTGCCAGGCTTGTCCAGACAGCTTTCCGGAAATACAAGGTAAACTAGAACAGAAC-3'
Protein context (NP_056030.1, residues 1515-1535): TLSDHEQREL[Tyr1525Cys]EAARLVQTAF